The following is an entry in ClinVar:

NM_022489.4(INF2):c.1376C>T (p.Pro459Leu)

Gene: INF2 (inverted formin 2; plus strand). Cytogenetic location: 14q32.33.
Variant type: single nucleotide variant.
Coding change: c.1376C>T on transcript NM_022489.4 (MANE Select); coding-DNA position 1376, C replaced by T.
Protein change: p.Pro459Leu; replaces proline 459 with leucine.
Molecular consequence: missense variant.
Genome position (GRCh38, 1-based): chr14:104,707,643, C>T. VCF-style: chr14-104707643-C-T. GRCh37 (hg19) VCF-style: chr14-105173980-C-T.
Other names: c.1376C>T, p.Pro459Leu (NM_001031714.4); short protein forms P459L.
Identifiers: ClinVar variation 2644615 (VCV002644615.27), dbSNP rs766510967, ClinGen allele CA7372567.

ClinVar aggregate classification (germline): Uncertain significance. Review status: criteria provided, multiple submitters, no conflicts (2 of 4 stars). 2 submissions from 2 submitters: Uncertain significance (2). Last evaluated 2022-12-02.

Conditions:
Focal segmental glomerulosclerosis 5 (FSGS5). Identifiers: Orphanet 656, MedGen C2750475, MONDO:0013191, OMIM 613237.
Charcot-Marie-Tooth disease dominant intermediate E. Also called: CHARCOT-MARIE-TOOTH NEUROPATHY WITH FOCAL SEGMENTAL GLOMERULONEPHRITIS. Identifiers: Orphanet 93114, MedGen C4302667, MONDO:0013758, OMIM 614455.

Allele frequency attached by ClinVar (database versions not stated): ExAC 0.00020.
gnomAD v4.1: 20 of 961,810 alleles (0.0021%); highest among the groups gnomAD compares: South Asian, 0.016%; no homozygotes.

Submissions (2):

Labcorp Genetics (formerly Invitae), Labcorp
Classification: Uncertain significance for Charcot-Marie-Tooth disease dominant intermediate E; Focal segmental glomerulosclerosis 5. Last evaluated: 2022-12-02. Review status: criteria provided, single submitter. Criteria: Invitae Variant Classification Sherloc (09022015). Collection method: clinical testing. Allele origin: germline.
Comment: This sequence change replaces proline, which is neutral and non-polar, with leucine, which is neutral and non-polar, at codon 459 of the INF2 protein (p.Pro459Leu). This variant is present in population databases (rs766510967, gnomAD 0.02%). This variant has not been reported in the literature in individuals affected with INF2-related conditions. Advanced modeling of protein sequence and biophysical properties (such as structural, functional, and spatial information, amino acid conservation, physicochemical variation, residue mobility, and thermodynamic stability) has been performed at Invitae for this missense variant, however the output from this modeling did not meet the statistical confidence thresholds required to predict the impact of this variant on INF2 protein function. In summary, the available evidence is currently insufficient to determine the role of this variant in disease. Therefore, it has been classified as a Variant of Uncertain Significance.

CeGaT Center for Human Genetics Tuebingen
Classification: Uncertain significance. Last evaluated: 2022-12-01. Review status: criteria provided, single submitter. Criteria: CeGaT Center For Human Genetics Tuebingen Variant Classification Criteria Version 2. Collection method: clinical testing. Allele origin: germline. Affected: yes. Observed: 1 variant allele.